The following is an entry in ClinVar:

NM_001080517.3(SETD5):c.1673C>A (p.Thr558Lys)

Gene: SETD5 (SET domain containing 5; plus strand). Cytogenetic location: 3p25.3.
Variant type: single nucleotide variant.
Coding change: c.1673C>A on transcript NM_001080517.3 (MANE Select); coding-DNA position 1673, C replaced by A.
Protein change: p.Thr558Lys; replaces threonine 558 with lysine.
Molecular consequence: missense variant.
Genome position (GRCh38, 1-based): chr3:9,447,198, C>A. VCF-style: chr3-9447198-C-A. GRCh37 (hg19) VCF-style: chr3-9488882-C-A.
Other names: c.1379C>A, p.Thr460Lys (NM_001292043.2, NM_001349451.2); c.1769C>A, p.Thr590Lys (NM_001437633.1); c.1730C>A, p.Thr577Lys (NM_001437635.1); c.1673C>A, p.Thr558Lys (NM_001437643.1); c.1712C>A, p.Thr571Lys (NM_001437701.1); short protein forms T460K, T558K, T571K, T577K, T590K.
Identifiers: ClinVar variation 4083015 (VCV004083015.1).

ClinVar aggregate classification (germline): Uncertain significance (1 of 4 stars; one submission).

Submission:

GeneDx
Classification: Uncertain significance. Last evaluated: 2025-03-05. Review status: criteria provided, single submitter. Criteria: GeneDx Variant Classification Process June 2021. Collection method: clinical testing. Allele origin: germline. Affected: yes.
Comment: Not observed at significant frequency in large population cohorts (gnomAD); In silico analysis indicates that this missense variant does not alter protein structure/function; Has not been previously published as pathogenic or benign to our knowledge